The following is an entry in ClinVar:

NM_001376.5(DYNC1H1):c.12038T>A (p.Leu4013His)

Gene: DYNC1H1 (dynein cytoplasmic 1 heavy chain 1; plus strand). Cytogenetic location: 14q32.31.
Variant type: single nucleotide variant.
Coding change: c.12038T>A on transcript NM_001376.5 (MANE Select); coding-DNA position 12038, T replaced by A.
Protein change: p.Leu4013His; replaces leucine 4013 with histidine.
Molecular consequence: missense variant.
Genome position (GRCh38, 1-based): chr14:102,041,670, T>A. VCF-style: chr14-102041670-T-A. GRCh37 (hg19) VCF-style: chr14-102508007-T-A.
Other names: short protein forms L4013H.
Identifiers: ClinVar variation 1371242 (VCV001371242.8), dbSNP rs2152596304, ClinGen allele CA391037848.

ClinVar aggregate classification (germline): Uncertain significance (1 of 4 stars; one submission).

Conditions:
Charcot-Marie-Tooth disease axonal type 2O. Also called: Charcot-Marie-Tooth Neuropathy Type 2O; Charcot-Marie-Tooth disease, axonal, type 20; CHARCOT-MARIE-TOOTH NEUROPATHY, AXONAL, TYPE 2O; CHARCOT-MARIE-TOOTH DISEASE, AXONAL, AUTOSOMAL DOMINANT, TYPE 2O. Identifiers: Orphanet 284232, MedGen C3280220, MONDO:0013644, OMIM 614228.

Submission:

Labcorp Genetics (formerly Invitae), Labcorp
Classification: Uncertain significance for Charcot-Marie-Tooth disease axonal type 2O. Last evaluated: 2022-04-09. Review status: criteria provided, single submitter. Criteria: Invitae Variant Classification Sherloc (09022015). Collection method: clinical testing. Allele origin: germline.
Comment: In summary, the available evidence is currently insufficient to determine the role of this variant in disease. Therefore, it has been classified as a Variant of Uncertain Significance. Advanced modeling of protein sequence and biophysical properties (such as structural, functional, and spatial information, amino acid conservation, physicochemical variation, residue mobility, and thermodynamic stability) performed at Invitae indicates that this missense variant is not expected to disrupt DYNC1H1 protein function. This variant has not been reported in the literature in individuals affected with DYNC1H1-related conditions. This variant is not present in population databases (gnomAD no frequency). This sequence change replaces leucine, which is neutral and non-polar, with histidine, which is basic and polar, at codon 4013 of the DYNC1H1 protein (p.Leu4013His).